The following is an entry in ClinVar:

NM_017849.4(TMEM127):c.646G>A (p.Glu216Lys)

Gene: TMEM127 (transmembrane protein 127; minus strand). Cytogenetic location: 2q11.2.
Variant type: single nucleotide variant.
Coding change: c.646G>A on transcript NM_017849.4 (MANE Select); coding-DNA position 646, G replaced by A.
Protein change: p.Glu216Lys; replaces glutamic acid 216 with lysine.
Molecular consequence: missense variant.
Genome position (GRCh38, 1-based): chr2:96,253,879, C>T on the plus strand (G>A on the coding strand, the complement: TMEM127 is on the minus strand). VCF-style: chr2-96253879-C-T. GRCh37 (hg19) VCF-style: chr2-96919617-C-T.
Other names: c.646G>A, p.Glu216Lys (NM_001193304.3); c.394G>A, p.Glu132Lys (NM_001407282.1, NM_001407283.1); short protein forms E132K, E216K.
Identifiers: ClinVar variation 3013505 (VCV003013505.3), dbSNP rs2104283151, ClinGen allele CA347651627.

ClinVar aggregate classification (germline): Uncertain significance (1 of 4 stars; one submission).

Conditions:
Hereditary pheochromocytoma and paraganglioma. Also called: Hereditary paragangliomas and pheochromocytomas; Hereditary Paraganglioma-Pheochromocytoma Syndromes; Hereditary pheochromocytoma-paraganglioma. Identifiers: Orphanet 29072, MedGen C4274332, MONDO:0017366.

Allele frequency attached by ClinVar (database versions not stated): gnomAD exomes below 0.00001.
gnomAD v4.1: 1 of 1,614,158 alleles (0.000062%); highest among the groups gnomAD compares: Non-Finnish European, 0.000085%; no homozygotes.

Submission:

Labcorp Genetics (formerly Invitae), Labcorp
Classification: Uncertain significance for Hereditary pheochromocytoma and paraganglioma. Last evaluated: 2023-11-23. Review status: criteria provided, single submitter. Criteria: Invitae Variant Classification Sherloc (09022015). Collection method: clinical testing. Allele origin: germline.
Comment: This sequence change replaces glutamic acid, which is acidic and polar, with lysine, which is basic and polar, at codon 216 of the TMEM127 protein (p.Glu216Lys). This variant is not present in population databases (gnomAD no frequency). This variant has not been reported in the literature in individuals affected with TMEM127-related conditions. An algorithm developed to predict the effect of missense changes on protein structure and function (PolyPhen-2) suggests that this variant is likely to be tolerated. In summary, the available evidence is currently insufficient to determine the role of this variant in disease. Therefore, it has been classified as a Variant of Uncertain Significance.